The following is an entry in ClinVar:

NM_001379500.1(COL18A1):c.2412G>C (p.Glu804Asp)

Gene: COL18A1 (collagen type XVIII alpha 1 chain; plus strand). Cytogenetic location: 21q22.3.
Variant type: single nucleotide variant.
Coding change: c.2412G>C on transcript NM_001379500.1 (MANE Select); coding-DNA position 2412, G replaced by C.
Protein change: p.Glu804Asp; replaces glutamic acid 804 with aspartic acid.
Molecular consequence: missense variant.
Genome position (GRCh38, 1-based): chr21:45,494,894, G>C. VCF-style: chr21-45494894-G-C. GRCh37 (hg19) VCF-style: chr21-46914808-G-C.
Other names: c.2952G>C, p.Glu984Asp (NM_030582.4); c.3657G>C, p.Glu1219Asp (NM_130444.3); short protein forms E804D, E984D, E1219D.
Identifiers: ClinVar variation 1368092 (VCV001368092.6), dbSNP rs764943040, ClinGen allele CA10067076.

ClinVar aggregate classification (germline): Uncertain significance (1 of 4 stars; one submission).

Allele frequency attached by ClinVar (database versions not stated): gnomAD exomes below 0.00001; TOPMed below 0.00001; gnomAD 0.00001; ExAC 0.00002.
gnomAD v4.1: 10 of 1,610,948 alleles (0.00062%); highest among the groups gnomAD compares: Admixed American, 0.0033%; no homozygotes.

Submission:

Labcorp Genetics (formerly Invitae), Labcorp
Classification: Uncertain significance. Last evaluated: 2024-09-10. Review status: criteria provided, single submitter. Criteria: Invitae Variant Classification Sherloc (09022015). Collection method: clinical testing. Allele origin: germline.
Comment: This sequence change replaces glutamic acid, which is acidic and polar, with aspartic acid, which is acidic and polar, at codon 804 of the COL18A1 protein (p.Glu804Asp). This variant is present in population databases (rs764943040, gnomAD 0.006%). This variant has not been reported in the literature in individuals affected with COL18A1-related conditions. ClinVar contains an entry for this variant (Variation ID: 1368092). Experimental studies and prediction algorithms are not available or were not evaluated, and the functional significance of this variant is currently unknown. In summary, the available evidence is currently insufficient to determine the role of this variant in disease. Therefore, it has been classified as a Variant of Uncertain Significance.